The following is an entry in ClinVar:

NM_022124.6(CDH23):c.9381-184G>A

Gene: CDH23 (cadherin related 23; plus strand). Cytogenetic location: 10q22.1.
Variant type: single nucleotide variant.
Coding change: c.9381-184G>A on transcript NM_022124.6 (MANE Select); 184 bases into the intron before coding-DNA position 9381, G replaced by A.
Molecular consequence: intron variant. On other transcripts: missense variant (2).
Genome position (GRCh38, 1-based): chr10:71,812,296, G>A. VCF-style: chr10-71812296-G-A. GRCh37 (hg19) VCF-style: chr10-73572053-G-A.
Other names: c.5G>A, p.Arg2Gln (NM_001171935.1, NM_001171936.1); c.2661-184G>A (NM_001171933.1, NM_001171934.1); short protein forms R2Q.
Identifiers: ClinVar variation 4978799 (VCV004978799.1).

ClinVar aggregate classification (germline): Uncertain significance (1 of 4 stars; one submission).

Conditions:
CDH23-related disorder. Also called: CDH23-related condition; CDH23-related disorders.

gnomAD v4.1: 136 of 1,598,660 alleles (0.0085%); highest among the groups gnomAD compares: Admixed American, 0.17%; no homozygotes.

Submission:

PreventionGenetics, part of Exact Sciences
Classification: Uncertain significance for CDH23-related condition. Last evaluated: 2025-10-12. Review status: criteria provided, single submitter. Criteria: ACMG Guidelines, 2015. Collection method: clinical testing. Allele origin: germline.
Comment: The CDH23 c.5G>A variant is predicted to result in the amino acid substitution p.Arg2Gln. To our knowledge, this variant has not been reported in the literature. This variant is reported in 0.090% of alleles in individuals of Latino descent in gnomAD. At this time, the clinical significance of this variant is uncertain due to the absence of conclusive functional and genetic evidence.